The following is an entry in ClinVar:

NM_019076.5(UGT1A8):c.855+51220C>T

Genes: UGT1A (UDP glucuronosyltransferase family 1 member A complex locus; plus strand), UGT1A10 (UDP glucuronosyltransferase family 1 member A10; plus strand), UGT1A8 (UDP glucuronosyltransferase family 1 member A8; plus strand). Cytogenetic location: 2q37.1.
Variant type: single nucleotide variant.
Coding change: c.855+51220C>T on transcript NM_019076.5 (MANE Select); 51220 bases into the intron after coding-DNA position 855, C replaced by T.
Molecular consequence: intron variant.
Genome position (GRCh38, 1-based): chr2:233,669,782, C>T. VCF-style: chr2-233669782-C-T. GRCh37 (hg19) VCF-style: chr2-234578428-C-T.
Other names: c.855+32405C>T (NM_019075.4).
Identifiers: ClinVar variation 1263192 (VCV001263192.2), dbSNP rs17868320, ClinGen allele CA67605896.

ClinVar aggregate classification (germline): Benign (1 of 4 stars; one submission).

Allele frequency attached by ClinVar (database versions not stated): 1000 Genomes Project 0.02236; 1000 Genomes Project 30x 0.02545; gnomAD 0.04005 and 0.04094; TOPMed 0.04028.
gnomAD v4.1: 6,066 of 152,236 alleles (4%); highest among the groups gnomAD compares: Non-Finnish European, 5.8%; 143 homozygotes.

Submission:

GeneDx
Classification: Benign. Last evaluated: 2019-01-11. Review status: criteria provided, single submitter. Criteria: GeneDx Variant Classification Process June 2021. Collection method: clinical testing. Allele origin: germline. Affected: yes.
Comment: This variant is associated with the following publications: (PMID: 15284532, 19715905)